The following is an entry in ClinVar:

NM_005751.5(AKAP9):c.7274A>G (p.Gln2425Arg)

Gene: AKAP9 (A-kinase anchoring protein 9; plus strand). Cytogenetic location: 7q21.2.
Variant type: single nucleotide variant.
Coding change: c.7274A>G on transcript NM_005751.5 (MANE Select); coding-DNA position 7274, A replaced by G.
Protein change: p.Gln2425Arg; replaces glutamine 2425 with arginine.
Molecular consequence: missense variant.
Genome position (GRCh38, 1-based): chr7:92,079,407, A>G. VCF-style: chr7-92079407-A-G. GRCh37 (hg19) VCF-style: chr7-91708721-A-G.
Other names: c.1919A>G, p.Gln640Arg (NM_001379277.1); c.7250A>G, p.Gln2417Arg (NM_147185.3); short protein forms Q2425R, Q2417R, Q640R.
Identifiers: ClinVar variation 1758027 (VCV001758027.2), dbSNP rs150229698, ClinGen allele CA161885346.
Genomic context (GRCh38, chr7:92,079,407, plus strand): 5'-CTAATGAAGAAATGACCTTCATGAAAAATGTACTTAAAGAAACCAATTTTAAAATGAATC[A>G]GCTAACACAGGAATTATTCAGCTTAAAGAGAGAACGTGAAAGTGTGGAAAAGATTCAAAG-3'
Protein context (NP_005742.4, residues 2415-2435): VLKETNFKMN[Gln2425Arg]LTQELFSLKR

ClinVar aggregate classification (germline): Uncertain significance (1 of 4 stars; one submission).

Conditions:
Cardiovascular phenotype. Identifiers: MedGen CN230736.

Allele frequency attached by ClinVar (database versions not stated): gnomAD 0.00001; 1000 Genomes Project 30x 0.00016; 1000 Genomes Project 0.00020.
gnomAD v4.1: 4 of 1,614,112 alleles (0.00025%); highest among the groups gnomAD compares: African/African-American, 0.0053%; no homozygotes.

Submission:

Ambry Genetics
Classification: Uncertain significance for Cardiovascular phenotype. Last evaluated: 2019-05-06. Review status: criteria provided, single submitter. Criteria: Ambry Variant Classification Scheme 2023. Collection method: clinical testing. Allele origin: germline.
Comment: The p.Q2425R variant (also known as c.7274A>G), located in coding exon 31 of the AKAP9 gene, results from an A to G substitution at nucleotide position 7274. The glutamine at codon 2425 is replaced by arginine, an amino acid with highly similar properties. This amino acid position is not well conserved in available vertebrate species. In addition, this alteration is predicted to be tolerated by in silico analysis. Since supporting evidence is limited at this time, the clinical significance of this alteration remains unclear.